The following is an entry in ClinVar:

NM_001035.3(RYR2):c.9254A>C (p.Asn3085Thr)

Gene: RYR2 (ryanodine receptor 2; plus strand). Cytogenetic location: 1q43.
Variant type: single nucleotide variant.
Coding change: c.9254A>C on transcript NM_001035.3 (MANE Select); coding-DNA position 9254, A replaced by C.
Protein change: p.Asn3085Thr; replaces asparagine 3085 with threonine.
Molecular consequence: missense variant.
Genome position (GRCh38, 1-based): chr1:237,700,354, A>C. VCF-style: chr1-237700354-A-C. GRCh37 (hg19) VCF-style: chr1-237863654-A-C.
Other names: short protein forms N3085T.
Identifiers: ClinVar variation 4761487 (VCV004761487.1).

ClinVar aggregate classification (germline): Uncertain significance (1 of 4 stars; one submission).

Conditions:
Catecholaminergic polymorphic ventricular tachycardia 1. Also called: RYR2-Related Catecholaminergic Polymorphic Ventricular Tachycardia; VENTRICULAR TACHYCARDIA, STRESS-INDUCED POLYMORPHIC 1; VENTRICULAR TACHYCARDIA, CATECHOLAMINERGIC POLYMORPHIC, 1, WITH OR WITHOUT ATRIAL DYSFUNCTION AND/OR DILATED CARDIOMYOPATHY. Identifiers: Orphanet 3286, MedGen C1631597, MONDO:0011484, OMIM 604772.

Submission:

Labcorp Genetics (formerly Invitae), Labcorp
Classification: Uncertain significance for Catecholaminergic polymorphic ventricular tachycardia 1. Last evaluated: 2025-04-24. Review status: criteria provided, single submitter. Criteria: Invitae Variant Classification Sherloc (09022015). Collection method: clinical testing. Allele origin: germline.
Comment: This sequence change replaces asparagine, which is neutral and polar, with threonine, which is neutral and polar, at codon 3085 of the RYR2 protein (p.Asn3085Thr). This variant is not present in population databases (gnomAD no frequency). This variant has not been reported in the literature in individuals affected with RYR2-related conditions. Invitae Evidence Modeling of protein sequence and biophysical properties (such as structural, functional, and spatial information, amino acid conservation, physicochemical variation, residue mobility, and thermodynamic stability) indicates that this missense variant is not expected to disrupt RYR2 protein function with a negative predictive value of 95%. In summary, the available evidence is currently insufficient to determine the role of this variant in disease. Therefore, it has been classified as a Variant of Uncertain Significance.